The following is an entry in ClinVar:

NM_005562.3(LAMC2):c.1715-1G>C

Gene: LAMC2 (laminin subunit gamma 2; plus strand). Cytogenetic location: 1q25.3.
Variant type: single nucleotide variant.
Coding change: c.1715-1G>C on transcript NM_005562.3 (MANE Select); the canonical splice acceptor site of the intron before coding-DNA position 1715, G replaced by C.
Molecular consequence: splice acceptor variant.
Genome position (GRCh38, 1-based): chr1:183,230,960, G>C. VCF-style: chr1-183230960-G-C. GRCh37 (hg19) VCF-style: chr1-183200095-G-C.
Other names: c.1715-1G>C (NM_018891.3).
Identifiers: ClinVar variation 371549 (VCV000371549.8), dbSNP rs774080932, ClinGen allele CA1282712.
Genomic context (GRCh38, chr1:183,230,960, plus strand): 5'-GCTCTACCTCCACTTTCTAGACTAGTTTGATGTGAATGCTCCATTTGTCTTTTGTCTCTA[G>C]CTTGCAACTGTAACCCCATGGGCTCAGAGCCTGTAGGATGTCGAAGTGATGGCACCTGTG-3'

ClinVar aggregate classification (germline): Likely pathogenic. Review status: criteria provided, single submitter (1 of 4 stars). 2 submissions from 2 submitters: Likely pathogenic (1). 1 of the submissions does not count toward it. Last evaluated 2022-09-22.

Conditions:
Junctional epidermolysis bullosa gravis of Herlitz. Also called: Epidermolysis Bullosa Letalis; Herlitz-type junctional epidermolysis bullosa; EPIDERMOLYSIS BULLOSA, JUNCTIONAL 1B, SEVERE; EPIDERMOLYSIS BULLOSA JUNCTIONALIS, HERLITZ TYPE; EPIDERMOLYSIS BULLOSA, JUNCTIONAL, HERLITZ-PEARSON TYPE; JEB-HERLITZ TYPE. Identifiers: Orphanet 79404, MedGen C0079683, MONDO:0009182, OMIM 226700.

Allele frequency attached by ClinVar (database versions not stated): gnomAD exomes below 0.00001; ExAC 0.00001.
gnomAD v4.1: 1 of 1,614,074 alleles (0.000062%); highest among the groups gnomAD compares: Admixed American, 0.0017%; no homozygotes.

Submissions (2):

Labcorp Genetics (formerly Invitae), Labcorp
Classification: Likely pathogenic. Last evaluated: 2022-09-22. Review status: criteria provided, single submitter. Criteria: Invitae Variant Classification Sherloc (09022015). Collection method: clinical testing. Allele origin: germline.
Comment: In summary, the currently available evidence indicates that the variant is pathogenic, but additional data are needed to prove that conclusively. Therefore, this variant has been classified as Likely Pathogenic. Algorithms developed to predict the effect of sequence changes on RNA splicing suggest that this variant may disrupt the consensus splice site. ClinVar contains an entry for this variant (Variation ID: 371549). This variant has not been reported in the literature in individuals affected with LAMC2-related conditions. This variant is present in population databases (rs774080932, gnomAD 0.003%). This sequence change affects an acceptor splice site in intron 11 of the LAMC2 gene. It is expected to disrupt RNA splicing. Variants that disrupt the donor or acceptor splice site typically lead to a loss of protein function (PMID: 16199547), and loss-of-function variants in LAMC2 are known to be pathogenic (PMID: 11907499, 16473856).

Counsyl
Classification: Likely pathogenic for Junctional epidermolysis bullosa gravis of Herlitz. Last evaluated: 2016-10-13. Review status: no assertion criteria provided. Collection method: clinical testing. Allele origin: unknown. Not counted in ClinVar's aggregate classification.

Literature cited by the submitters: PubMed 16199547 (cited by Labcorp Genetics (formerly Invitae), Labcorp); PubMed 11907499 (cited by Labcorp Genetics (formerly Invitae), Labcorp); PubMed 16473856 (cited by Labcorp Genetics (formerly Invitae), Labcorp).